The following is an entry in ClinVar:

ClinVar aggregate classification (germline): Uncertain significance. Review status: criteria provided, multiple submitters, no conflicts (2 of 4 stars). 4 submissions from 4 submitters: Uncertain significance (4). Last evaluated 2025-08-21.

Conditions:
Pheochromocytoma/paraganglioma syndrome 5. Also called: Paragangliomas 5; SDHA-Related Hereditary Paraganglioma-Pheochromocytoma Syndrome. Identifiers: Orphanet 29072, MedGen C3279992, MONDO:0013602, OMIM 614165.
Mitochondrial complex II deficiency, nuclear type 1. Also called: SUCCINATE CoQ REDUCTASE DEFICIENCY. Identifiers: Orphanet 3208, MedGen C5700310, MONDO:0100294, OMIM 252011.
Dilated cardiomyopathy 1GG (CMD1GG). Identifiers: Orphanet 154, MedGen C3150898, MONDO:0013339, OMIM 613642.
Hereditary cancer-predisposing syndrome. Also called: Hereditary neoplastic syndrome; Tumor predisposition; Neoplastic Syndromes, Hereditary; Hereditary Cancer Syndrome. Identifiers: Orphanet 140162, MedGen C0027672, MeSH D009386, MONDO:0015356.

Submissions (4):

Ambry Genetics
Classification: Uncertain significance for Hereditary cancer-predisposing syndrome. Last evaluated: 2025-08-21. Review status: criteria provided, single submitter. Criteria: Ambry Variant Classification Scheme 2023. Collection method: clinical testing. Allele origin: germline.
Comment: The p.G316S variant (also known as c.946G>A), located in coding exon 8 of the SDHA gene, results from a G to A substitution at nucleotide position 946. The glycine at codon 316 is replaced by serine, an amino acid with similar properties. This amino acid position is highly conserved in available vertebrate species. In addition, this alteration is predicted to be deleterious by in silico analysis. Based on the available evidence, the clinical significance of this variant remains unclear.

Labcorp Genetics (formerly Invitae), Labcorp
Classification: Uncertain significance for Pheochromocytoma/paraganglioma syndrome 5; Mitochondrial complex II deficiency, nuclear type 1. Last evaluated: 2025-08-06. Review status: criteria provided, single submitter. Criteria: Invitae Variant Classification Sherloc (09022015). Collection method: clinical testing. Allele origin: germline.
Comment: This sequence change replaces glycine, which is neutral and non-polar, with serine, which is neutral and polar, at codon 316 of the SDHA protein (p.Gly316Ser). This variant is not present in population databases (gnomAD no frequency). This variant has not been reported in the literature in individuals affected with SDHA-related conditions. ClinVar contains an entry for this variant (Variation ID: 2934847). Invitae Evidence Modeling of protein sequence and biophysical properties (such as structural, functional, and spatial information, amino acid conservation, physicochemical variation, residue mobility, and thermodynamic stability) has been performed for this missense variant. However, the output from this modeling did not meet the statistical confidence thresholds required to predict the impact of this variant on SDHA protein function. In summary, the available evidence is currently insufficient to determine the role of this variant in disease. Therefore, it has been classified as a Variant of Uncertain Significance.

Baylor Genetics
Classification: Uncertain significance for Dilated cardiomyopathy 1GG. Last evaluated: 2024-01-04. Review status: criteria provided, single submitter. Criteria: ACMG Guidelines, 2015. Collection method: clinical testing. Allele origin: unknown.

Blueprint Genetics
Classification: Uncertain significance. Last evaluated: 2022-05-30. Review status: criteria provided, single submitter. Criteria: ACMG Guidelines, 2015. Collection method: clinical testing. Allele origin: germline.

NM_004168.4(SDHA):c.946G>A (p.Gly316Ser)

Gene: SDHA (succinate dehydrogenase complex flavoprotein subunit A; plus strand). Cytogenetic location: 5p15.33.
Variant type: single nucleotide variant.
Coding change: c.946G>A on transcript NM_004168.4 (MANE Select); coding-DNA position 946, G replaced by A.
Protein change: p.Gly316Ser; replaces glycine 316 with serine.
Molecular consequence: missense variant.
Genome position (GRCh38, 1-based): chr5:233,527, G>A. VCF-style: chr5-233527-G-A. GRCh37 (hg19) VCF-style: chr5-233642-G-A.
Other names: c.946G>A (NM_004168.2); c.802G>A, p.Gly268Ser (NM_001294332.2); c.946G>A, p.Gly316Ser (NM_001330758.2); short protein forms G316S, G268S.
Identifiers: ClinVar variation 2934847 (VCV002934847.6), dbSNP rs2477348947, ClinGen allele CA359012643.
Genomic context (GRCh38, chr5:233,527, plus strand): 5'-TTTTTTGCAGGCATATATGGTGCTGGTTGTCTCATTACGGAAGGATGTCGTGGAGAGGGA[G>A]GCATTCTCATTAACAGTCAAGGCGAAAGGTTTATGGAGCGATACGCCCCTGTCGCGAAGG-3'
Protein context (NP_004159.2, residues 306-326): LITEGCRGEG[Gly316Ser]ILINSQGERF